The following is an entry in ClinVar:

ClinVar aggregate classification (germline): Conflicting classifications of pathogenicity. Review status: criteria provided, conflicting classifications (1 of 4 stars). 7 submissions from 7 submitters: Uncertain significance (1); Benign (3); Likely benign (1). 2 of the submissions do not count toward it. Last evaluated 2026-01-17.

Conditions:
Vitreoretinopathy. Also called: Vitreoretinal degeneration. Identifiers: MedGen C0344290, MONDO:0020248, HP:0007773.

Allele frequency attached by ClinVar (database versions not stated): 1000 Genomes Project 30x 0.00172; 1000 Genomes Project 0.00180.
gnomAD v4.1: 4,633 of 1,613,838 alleles (0.29%); highest among the groups gnomAD compares: Middle Eastern, 0.38%; 11 homozygotes.

Submissions (7):

Labcorp Genetics (formerly Invitae), Labcorp
Classification: Benign. Last evaluated: 2026-01-17. Review status: criteria provided, single submitter. Criteria: Invitae Variant Classification Sherloc (09022015). Collection method: clinical testing. Allele origin: germline.

Blueprint Genetics
Classification: Likely benign. Last evaluated: 2024-11-26. Review status: criteria provided, single submitter. Criteria: ACMG Guidelines, 2015. Collection method: clinical testing. Allele origin: germline.

CeGaT Center for Human Genetics Tuebingen
Classification: Benign. Last evaluated: 2022-07-01. Review status: criteria provided, single submitter. Criteria: CeGaT Center For Human Genetics Tuebingen Variant Classification Criteria Version 2. Collection method: clinical testing. Allele origin: germline. Affected: yes. Observed: 1 variant allele.
Comment: VCAN: BS1, BS2

Illumina Laboratory Services, Illumina
Classification: Benign for Vitreoretinopathy. Last evaluated: 2018-01-12. Review status: criteria provided, single submitter. Criteria: ICSL Variant Classification Criteria 13 December 2019. Collection method: clinical testing. Allele origin: germline.
Comment: This variant was observed in the ICSL laboratory as part of a predisposition screen in an ostensibly healthy population. It had not been previously curated by ICSL or reported in the Human Gene Mutation Database (HGMD: prior to June 1st, 2018), and was therefore a candidate for classification through an automated scoring system. Utilizing variant allele frequency, disease prevalence and penetrance estimates, and inheritance mode, an automated score was calculated to assess if this variant is too frequent to cause the disease. Based on the score and internal cut-off values, a variant classified as benign is not then subjected to further curation. The score for this variant resulted in a classification of benign for this disease.

Eurofins Ntd Llc (ga)
Classification: Uncertain significance. Last evaluated: 2014-06-17. Review status: criteria provided, single submitter. Criteria: EGL Classification Definitions 2015. Collection method: clinical testing. Allele origin: germline. Observed: 1 variant allele, 1 heterozygote.

Clinical Genetics DNA and cytogenetics Diagnostics Lab, Erasmus MC, Erasmus Medical Center
Classification: Likely benign. Review status: no assertion criteria provided. Collection method: clinical testing. Allele origin: germline. Affected: yes. Study: VKGL Data-share Consensus. Not counted in ClinVar's aggregate classification.

Clinical Genetics, Academic Medical Center
Classification: Likely benign. Review status: no assertion criteria provided. Collection method: clinical testing. Allele origin: germline. Affected: yes. Study: VKGL Data-share Consensus. Not counted in ClinVar's aggregate classification.

NM_004385.5(VCAN):c.6902T>G (p.Phe2301Cys)

Genes: VCAN (versican; plus strand), VCAN-AS1 (VCAN antisense RNA 1; minus strand). Cytogenetic location: 5q14.3.
Variant type: single nucleotide variant.
Coding change: c.6902T>G on transcript NM_004385.5 (MANE Select); coding-DNA position 6902, T replaced by G.
Protein change: p.Phe2301Cys; replaces phenylalanine 2301 with cysteine.
Molecular consequence: missense variant. On other transcripts: intron variant (2).
Genome position (GRCh38, 1-based): chr5:83,539,905, T>G. VCF-style: chr5-83539905-T-G. GRCh37 (hg19) VCF-style: chr5-82835724-T-G.
Other names: c.3941T>G, p.Phe1314Cys (NM_001164097.2); c.4004-5632T>G (NM_001164098.2); c.1043-5632T>G (NM_001126336.3); short protein forms F2301C, F1314C.
Identifiers: ClinVar variation 198801 (VCV000198801.49), dbSNP rs160278, ClinGen allele CA247633.
Genomic context (GRCh38, chr5:83,539,905, plus strand): 5'-ACACATTATATCCCCACACTTCTCAAGTGGAAAGTACCTCAAGTGACAAAATTGAAGACT[T>G]TAACAGAATGGAAAATGTGGCAAAAGAAGTTGGACCACTCGTATCTCAAACAGACATCTT-3'
Protein context (NP_004376.2, residues 2291-2311): ESTSSDKIED[Phe2301Cys]NRMENVAKEV